The following is an entry in ClinVar:

ClinVar aggregate classification (germline): Benign (0 of 4 stars; one submission).

Conditions:
BCL2-related disorder. Also called: BCL2-related condition.

Allele frequency attached by ClinVar (database versions not stated): 1000 Genomes Project 30x 0.23798; 1000 Genomes Project 0.24321; TOPMed 0.30280; ESP Exome Variant Server 0.31045; gnomAD 0.31648; ExAC 0.36882; gnomAD exomes 0.40795.
gnomAD v4.1: 641,749 of 1,612,024 alleles (40%); highest among the groups gnomAD compares: Non-Finnish European, 43%; 135,183 homozygotes.

Submission:

PreventionGenetics, part of Exact Sciences
Classification: Benign for BCL2-related condition. Last evaluated: 2019-10-16. Review status: no assertion criteria provided. Collection method: clinical testing. Allele origin: germline.
Comment: This variant is classified as benign based on ACMG/AMP sequence variant interpretation guidelines (Richards et al. 2015 PMID: 25741868, with internal and published modifications).

NM_000633.3(BCL2):c.21A>G (p.Thr7=)

Gene: BCL2 (BCL2 apoptosis regulator; minus strand). Cytogenetic location: 18q21.33.
Variant type: single nucleotide variant.
Coding change: c.21A>G on transcript NM_000633.3 (MANE Select); coding-DNA position 21, A replaced by G.
Protein change: p.Thr7=; no amino-acid change (threonine 7 retained).
Molecular consequence: synonymous variant.
Genome position (GRCh38, 1-based): chr18:63,318,646, T>C on the plus strand (A>G on the coding strand, the complement: BCL2 is on the minus strand). VCF-style: chr18-63318646-T-C. GRCh37 (hg19) VCF-style: chr18-60985879-T-C.
Other names: c.21A>G, p.Thr7= (NM_000657.3).
Identifiers: ClinVar variation 3060318 (VCV003060318.2), dbSNP rs1801018, ClinGen allele CA8985929.